The following is an entry in ClinVar:

NM_182972.3(IRF2BP2):c.316G>A (p.Ala106Thr)

Genes: IRF2BP2 (interferon regulatory factor 2 binding protein 2; minus strand), LOC129932812 (ATAC-STARR-seq lymphoblastoid silent region 1977; plus strand). Cytogenetic location: 1q42.3.
Variant type: single nucleotide variant.
Coding change: c.316G>A on transcript NM_182972.3 (MANE Select); coding-DNA position 316, G replaced by A.
Protein change: p.Ala106Thr; replaces alanine 106 with threonine.
Molecular consequence: missense variant.
Genome position (GRCh38, 1-based): chr1:234,609,179, C>T on the plus strand (G>A on the coding strand, the complement: IRF2BP2 is on the minus strand). VCF-style: chr1-234609179-C-T. GRCh37 (hg19) VCF-style: chr1-234744925-C-T.
Other names: c.316G>A, p.Ala106Thr (NM_001077397.1); short protein forms A106T.
Identifiers: ClinVar variation 1381228 (VCV001381228.8), dbSNP rs1161508752, ClinGen allele CA345311196.

ClinVar aggregate classification (germline): Uncertain significance (1 of 4 stars; one submission).

Allele frequency attached by ClinVar (database versions not stated): TOPMed 0.00001; gnomAD exomes 0.00116.

Submission:

Labcorp Genetics (formerly Invitae), Labcorp
Classification: Uncertain significance. Last evaluated: 2025-09-14. Review status: criteria provided, single submitter. Criteria: Invitae Variant Classification Sherloc (09022015). Collection method: clinical testing. Allele origin: germline.
Comment: This sequence change replaces alanine, which is neutral and non-polar, with threonine, which is neutral and polar, at codon 106 of the IRF2BP2 protein (p.Ala106Thr). This variant is present in population databases (no rsID available, gnomAD 0.3%). This variant has not been reported in the literature in individuals affected with IRF2BP2-related conditions. ClinVar contains an entry for this variant (Variation ID: 1381228). An algorithm developed to predict the effect of missense changes on protein structure and function (PolyPhen-2) suggests that this variant is likely to be disruptive. In summary, the available evidence is currently insufficient to determine the role of this variant in disease. Therefore, it has been classified as a Variant of Uncertain Significance.